The following is an entry in ClinVar:

ClinVar aggregate classification (germline): Uncertain significance. Review status: criteria provided, multiple submitters, no conflicts (2 of 4 stars). 2 submissions from 2 submitters: Uncertain significance (2). Last evaluated 2025-01-09.

Conditions:
Temtamy preaxial brachydactyly syndrome (TPBS). Identifiers: Orphanet 363417, MedGen C1854466, MONDO:0011533, OMIM 605282.
Inborn genetic diseases. Identifiers: MedGen C0950123, MeSH D030342.

Allele frequency attached by ClinVar (database versions not stated): TOPMed 0.00001; gnomAD exomes 0.00011; ExAC 0.00013.
gnomAD v4.1: 93 of 1,613,958 alleles (0.0058%); highest among the groups gnomAD compares: South Asian, 0.097%; 2 homozygotes.

Submissions (2):

Ambry Genetics
Classification: Uncertain significance for Inborn genetic diseases. Last evaluated: 2025-01-09. Review status: criteria provided, single submitter. Criteria: Ambry Variant Classification Scheme 2023. Collection method: clinical testing. Allele origin: germline.

Labcorp Genetics (formerly Invitae), Labcorp
Classification: Uncertain significance for Temtamy preaxial brachydactyly syndrome. Last evaluated: 2024-12-16. Review status: criteria provided, single submitter. Criteria: Invitae Variant Classification Sherloc (09022015). Collection method: clinical testing. Allele origin: germline.
Comment: This sequence change replaces serine, which is neutral and polar, with threonine, which is neutral and polar, at codon 325 of the CHSY1 protein (p.Ser325Thr). This variant is present in population databases (rs765848875, gnomAD 0.09%). This variant has not been reported in the literature in individuals affected with CHSY1-related conditions. ClinVar contains an entry for this variant (Variation ID: 1404114). Invitae Evidence Modeling of protein sequence and biophysical properties (such as structural, functional, and spatial information, amino acid conservation, physicochemical variation, residue mobility, and thermodynamic stability) indicates that this missense variant is not expected to disrupt CHSY1 protein function with a negative predictive value of 80%. In summary, the available evidence is currently insufficient to determine the role of this variant in disease. Therefore, it has been classified as a Variant of Uncertain Significance.

NM_014918.5(CHSY1):c.973T>A (p.Ser325Thr)

Gene: CHSY1 (chondroitin sulfate synthase 1; minus strand). Cytogenetic location: 15q26.3.
Variant type: single nucleotide variant.
Coding change: c.973T>A on transcript NM_014918.5 (MANE Select); coding-DNA position 973, T replaced by A.
Protein change: p.Ser325Thr; replaces serine 325 with threonine.
Molecular consequence: missense variant.
Genome position (GRCh38, 1-based): chr15:101,178,824, A>T on the plus strand (T>A on the coding strand, the complement: CHSY1 is on the minus strand). VCF-style: chr15-101178824-A-T. GRCh37 (hg19) VCF-style: chr15-101719029-A-T.
Other names: c.973T>A (NM_014918.4); short protein forms S325T.
Identifiers: ClinVar variation 1404114 (VCV001404114.8), dbSNP rs765848875, ClinGen allele CA7762622.
Genomic context (GRCh38, chr15:101,178,824, plus strand): 5'-TGTATTTGCTCATCAGGACAATTTCGCGGTGCAGCTGTATTGTGCGATGGCGGAGCTCGG[A>T]TATCTTGCGGCTCAGCATGTAGCTGTGGAGCCTGTACTGGTAGGGTGGGTTTTTGTTGGG-3'
Protein context (NP_055733.2, residues 315-335): LHSYMLSRKI[Ser325Thr]ELRHRTIQLH